The following is an entry in ClinVar:

NM_014861.4(ATP2C2):c.1734G>A (p.Pro578=)

Gene: ATP2C2 (ATPase secretory pathway Ca2+ transporting 2; plus strand). Cytogenetic location: 16q24.1.
Variant type: single nucleotide variant.
Coding change: c.1734G>A on transcript NM_014861.4 (MANE Select); coding-DNA position 1734, G replaced by A.
Protein change: p.Pro578=; no amino-acid change (proline 578 retained).
Molecular consequence: synonymous variant.
Genome position (GRCh38, 1-based): chr16:84,451,994, G>A. VCF-style: chr16-84451994-G-A. GRCh37 (hg19) VCF-style: chr16-84485600-G-A.
Other names: c.1734G>A, p.Pro578= (NM_001286527.3); c.1281G>A, p.Pro427= (NM_001291454.2).
Identifiers: ClinVar variation 3041145 (VCV003041145.2), dbSNP rs187525642, ClinGen allele CA8207582.

ClinVar aggregate classification (germline): Benign (0 of 4 stars; one submission).

Conditions:
ATP2C2-related disorder. Also called: ATP2C2-related condition.

Allele frequency attached by ClinVar (database versions not stated): 1000 Genomes Project 0.00220; 1000 Genomes Project 30x 0.00234.
gnomAD v4.1: 444 of 1,613,972 alleles (0.028%); highest among the groups gnomAD compares: East Asian, 0.76%; 4 homozygotes.

Submission:

PreventionGenetics, part of Exact Sciences
Classification: Benign for ATP2C2-related condition. Last evaluated: 2019-09-30. Review status: no assertion criteria provided. Collection method: clinical testing. Allele origin: germline.
Comment: This variant is classified as benign based on ACMG/AMP sequence variant interpretation guidelines (Richards et al. 2015 PMID: 25741868, with internal and published modifications).